The following is an entry in ClinVar:

ClinVar aggregate classification (germline): Likely pathogenic (1 of 4 stars; one submission).

Conditions:
Fanconi anemia complementation group E (FANCE). Also called: FANCE-Related Fanconi Anemia. Identifiers: Orphanet 84, MedGen C3160739, MONDO:0010953, OMIM 600901.

Submission:

Juno Genomics, Hangzhou Juno Genomics, Inc
Classification: Likely pathogenic for Fanconi anemia complementation group E. Review status: criteria provided, single submitter. Criteria: ACMG Guidelines, 2015. Collection method: clinical testing. Allele origin: germline.
Comment: Null variant in a gene where loss of function (LOF) is a known mechanism of disease.;Absent from controls (or at extremely low frequency if recessive) in Genome Aggregation Database.

NM_021922.3(FANCE):c.1119_1123del (p.Ser374fs)

Gene: FANCE (FA complementation group E; plus strand). Cytogenetic location: 6p21.31.
Variant type: Deletion.
Coding change: c.1119_1123del on transcript NM_021922.3 (MANE Select); coding-DNA positions 1119 to 1123, 5 bases deleted (CTCCT; older notation c.1119_1123delCTCCT).
Protein change: p.Ser374fs; shifts the reading frame from serine 374.
Molecular consequence: frameshift variant.
Genome position (GRCh38, 1-based): chr6:35,459,336-35,459,340, CTCCT deleted; deleting any 5 consecutive bases within chr6:35,459,332-35,459,340 gives the same sequence; the c. name uses the placement nearest the transcript's 3' end. VCF-style (leftmost placement, unchanged base first): chr6-35459331-ATCCTC-A. GRCh37 (hg19) VCF-style: chr6-35427108-ATCCTC-A.
Other names: c.1119_1123del, p.Ser374fs (NM_001410876.1); short protein forms S374fs.
Identifiers: ClinVar variation 5007045 (VCV005007045.2).
Genomic context (GRCh38, chr6:35,459,331, plus strand): 5'-GATAAATGCTGTTGAAATGAAGAAGAAAATAATTAATTTTTTCCTCCCTGTTGGCTGTAG[ATCCTC>A]TCCTTGACTTCCTCAGCCTCCCGCCTGCTTACAACTGCCCTGACCTCCTTCTGTGCCAAA-3'